The following is an entry in ClinVar:

ClinVar aggregate classification (germline): Pathogenic/Likely pathogenic. Review status: criteria provided, multiple submitters, no conflicts (2 of 4 stars). 2 submissions from 2 submitters: Pathogenic (1); Likely pathogenic (1). Last evaluated 2023-10-09.

Conditions:
Fanconi anemia (FA). Also called: Fanconi's anemia. Identifiers: Orphanet 84, MedGen C0015625, MeSH D005199, MONDO:0019391.
Fanconi anemia complementation group G. Also called: Fanconi anemia group G; FANCG-Related Fanconi Anemia. Identifiers: Orphanet 84, MedGen C3469527, MONDO:0013565, OMIM 614082.

Submissions (2):

Labcorp Genetics (formerly Invitae), Labcorp
Classification: Pathogenic for Fanconi anemia. Last evaluated: 2023-10-09. Review status: criteria provided, single submitter. Criteria: Invitae Variant Classification Sherloc (09022015). Collection method: clinical testing. Allele origin: germline.
Comment: This sequence change affects an acceptor splice site in intron 9 of the FANCG gene. It is expected to disrupt RNA splicing. Variants that disrupt the donor or acceptor splice site typically lead to a loss of protein function (PMID: 16199547), and loss-of-function variants in FANCG are known to be pathogenic (PMID: 12552564). This variant is not present in population databases (gnomAD no frequency). Disruption of this splice site has been observed in individuals with Fanconi anemia (PMID: 11093276, 24584348). Algorithms developed to predict the effect of sequence changes on RNA splicing suggest that this variant may disrupt the consensus splice site. For these reasons, this variant has been classified as Pathogenic.

Baylor Genetics
Classification: Likely pathogenic for Fanconi anemia complementation group G. Last evaluated: 2023-06-06. Review status: criteria provided, single submitter. Criteria: ACMG Guidelines, 2015. Collection method: clinical testing. Allele origin: unknown.

Literature cited by the submitters: PubMed 16199547 (cited by Labcorp Genetics (formerly Invitae), Labcorp); PubMed 12552564 (cited by Labcorp Genetics (formerly Invitae), Labcorp); PubMed 11093276 (cited by Labcorp Genetics (formerly Invitae), Labcorp); PubMed 24584348 (cited by Labcorp Genetics (formerly Invitae), Labcorp).

NM_004629.2(FANCG):c.1144-1G>A

Gene: FANCG (FA complementation group G; minus strand). Cytogenetic location: 9p13.3.
Variant type: single nucleotide variant.
Coding change: c.1144-1G>A on transcript NM_004629.2 (MANE Select); the canonical splice acceptor site of the intron before coding-DNA position 1144, G replaced by A.
Molecular consequence: splice acceptor variant.
Genome position (GRCh38, 1-based): chr9:35,075,755, C>T on the plus strand (G>A on the coding strand, the complement: FANCG is on the minus strand). VCF-style: chr9-35075755-C-T. GRCh37 (hg19) VCF-style: chr9-35075752-C-T.
Identifiers: ClinVar variation 2675576 (VCV002675576.4), dbSNP rs755363896, ClinGen allele CA373309779.